The following is an entry in ClinVar:

ClinVar aggregate classification (germline): Uncertain significance (1 of 4 stars; one submission).

Conditions:
Ehlers-Danlos syndrome, musculocontractural type 2 (EDSMC2). Identifiers: Orphanet 2953, MedGen C3809845, MONDO:0014236, OMIM 615539.

Submission:

Labcorp Genetics (formerly Invitae), Labcorp
Classification: Uncertain significance for Ehlers-Danlos syndrome, musculocontractural type 2. Last evaluated: 2025-02-11. Review status: criteria provided, single submitter. Criteria: Invitae Variant Classification Sherloc (09022015). Collection method: clinical testing. Allele origin: germline.
Comment: This sequence change falls in intron 4 of the DSE gene. It does not directly change the encoded amino acid sequence of the DSE protein. It affects a nucleotide within the consensus splice site. This variant is not present in population databases (gnomAD no frequency). This variant has not been reported in the literature in individuals affected with DSE-related conditions. Variants that disrupt the consensus splice site are a relatively common cause of aberrant splicing (PMID: 17576681, 9536098). Algorithms developed to predict the effect of sequence changes on RNA splicing suggest that this variant is not likely to affect RNA splicing. In summary, the available evidence is currently insufficient to determine the role of this variant in disease. Therefore, it has been classified as a Variant of Uncertain Significance.

Literature cited by the submitters: PubMed 17576681; PubMed 9536098.

NM_013352.4(DSE):c.910+6G>C

Gene: DSE (dermatan sulfate epimerase; plus strand). Cytogenetic location: 6q22.1.
Variant type: single nucleotide variant.
Coding change: c.910+6G>C on transcript NM_013352.4 (MANE Select); 6 bases into the intron after coding-DNA position 910, G replaced by C.
Molecular consequence: intron variant. On other transcripts: missense variant (1).
Genome position (GRCh38, 1-based): chr6:116,431,199, G>C. VCF-style: chr6-116431199-G-C. GRCh37 (hg19) VCF-style: chr6-116752362-G-C.
Other names: c.916G>C, p.Val306Leu (NM_001374522.1); c.-90+142G>C (NM_001374520.1); c.910+6G>C (NM_001322937.2, NM_001322938.2, NM_001080976.3 and 1 more transcripts); c.83+4372G>C (NM_001374521.1); c.349+6G>C (NM_001322940.2, NM_001322941.2); c.967+6G>C (NM_001322939.2); c.670+4372G>C (NM_001322943.2); short protein forms V306L.
Identifiers: ClinVar variation 4735580 (VCV004735580.1).